The following is an entry in ClinVar:

ClinVar aggregate classification (germline): Benign. Review status: criteria provided, multiple submitters, no conflicts (2 of 4 stars). 3 submissions from 3 submitters: Benign (2). 1 of the submissions does not count toward it. Last evaluated 2019-12-31.

Conditions:
XIRP2-related disorder. Also called: XIRP2-related condition.

Allele frequency attached by ClinVar (database versions not stated): gnomAD exomes 0.00041 and 0.00098; ExAC 0.00113; 1000 Genomes Project 0.00240; 1000 Genomes Project 30x 0.00297; ESP Exome Variant Server 0.00415; gnomAD 0.00429 and 0.00465; TOPMed 0.00470.
gnomAD v4.1: 1,278 of 1,613,018 alleles (0.079%); highest among the groups gnomAD compares: African/African-American, 1.4%; 6 homozygotes.

Submissions (3):

Labcorp Genetics (formerly Invitae), Labcorp
Classification: Benign. Last evaluated: 2019-12-31. Review status: criteria provided, single submitter. Criteria: Invitae Variant Classification Sherloc (09022015). Collection method: clinical testing. Allele origin: germline.

Breakthrough Genomics
Classification: Benign. Review status: criteria provided, single submitter. Criteria: ACMG Guidelines, 2015. Collection method: not provided. Allele origin: germline. Inheritance: Unknown mechanism. Affected: yes.

PreventionGenetics, part of Exact Sciences
Classification: Benign for XIRP2-related condition. Last evaluated: 2019-06-07. Review status: no assertion criteria provided. Collection method: clinical testing. Allele origin: germline. Not counted in ClinVar's aggregate classification.
Comment: This variant is classified as benign based on ACMG/AMP sequence variant interpretation guidelines (Richards et al. 2015 PMID: 25741868, with internal and published modifications).

NM_152381.6(XIRP2):c.4915C>A (p.Gln1639Lys)

Gene: XIRP2 (xin actin binding repeat containing 2; plus strand). Cytogenetic location: 2q24.3.
Variant type: single nucleotide variant.
Coding change: c.4915C>A on transcript NM_152381.6 (MANE Select); coding-DNA position 4915, C replaced by A.
Protein change: p.Gln1639Lys; replaces glutamine 1639 with lysine.
Molecular consequence: missense variant. On other transcripts: intron variant (3).
Genome position (GRCh38, 1-based): chr2:167,246,307, C>A. VCF-style: chr2-167246307-C-A. GRCh37 (hg19) VCF-style: chr2-168102817-C-A.
Other names: c.4249C>A, p.Gln1417Lys (NM_001199144.2); c.1275+4397C>A (NM_001199143.2); c.1176+4397C>A (NM_001079810.4); c.510+4397C>A (NM_001199145.2); c.4915C>A (NM_152381.5); short protein forms Q1639K, Q1417K.
Identifiers: ClinVar variation 716297 (VCV000716297.7), dbSNP rs145994288, ClinGen allele CA1947121.